The following is an entry in ClinVar:

ClinVar aggregate classification (germline): Uncertain significance (1 of 4 stars; one submission).

Conditions:
Cardiovascular phenotype. Identifiers: MedGen CN230736.

Allele frequency attached by ClinVar (database versions not stated): gnomAD exomes below 0.00001; gnomAD 0.00001.
gnomAD v4.1: 2 of 1,612,994 alleles (0.00012%); highest among the groups gnomAD compares: African/African-American, 0.0013%; no homozygotes.

Submission:

Ambry Genetics
Classification: Uncertain significance for Cardiovascular phenotype. Last evaluated: 2019-08-20. Review status: criteria provided, single submitter. Criteria: Ambry Variant Classification Scheme 2023. Collection method: clinical testing. Allele origin: germline.
Comment: The p.E11277K variant (also known as c.33829G>A), located in coding exon 131 of the TTN gene, results from a G to A substitution at nucleotide position 33829. The glutamic acid at codon 11277 is replaced by lysine, an amino acid with similar properties. This amino acid position is highly conserved in available vertebrate species. In addition, the in silico prediction for this alteration is inconclusive. Since supporting evidence is limited at this time, the clinical significance of this alteration remains unclear.

NM_001267550.2(TTN):c.61024G>A (p.Glu20342Lys)

Genes: TTN (titin; minus strand), TTN-AS1 (TTN antisense RNA 1; plus strand). Cytogenetic location: 2q31.2.
Variant type: single nucleotide variant.
Coding change: c.61024G>A on transcript NM_001267550.2 (MANE Select); coding-DNA position 61024, G replaced by A.
Protein change: p.Glu20342Lys; replaces glutamic acid 20342 with lysine.
Molecular consequence: missense variant.
Genome position (GRCh38, 1-based): chr2:178,590,701, C>T on the plus strand (G>A on the coding strand, the complement: TTN is on the minus strand). VCF-style: chr2-178590701-C-T. GRCh37 (hg19) VCF-style: chr2-179455428-C-T.
Other names: c.56101G>A, p.Glu18701Lys (NM_001256850.1); c.33829G>A, p.Glu11277Lys (NM_003319.4); c.53320G>A, p.Glu17774Lys (NM_133378.4); c.34204G>A, p.Glu11402Lys (NM_133432.3); c.34405G>A, p.Glu11469Lys (NM_133437.4); short protein forms E11402K, E18701K, E11469K, E17774K, E20342K, E11277K.
Identifiers: ClinVar variation 1730826 (VCV001730826.2), dbSNP rs1015533049, ClinGen allele CA60968483.